The following is an entry in ClinVar:

NM_017999.5(RNF31):c.544G>A (p.Val182Ile)

Gene: RNF31 (ring finger protein 31; plus strand). Cytogenetic location: 14q12.
Variant type: single nucleotide variant.
Coding change: c.544G>A on transcript NM_017999.5 (MANE Select); coding-DNA position 544, G replaced by A.
Protein change: p.Val182Ile; replaces valine 182 with isoleucine.
Molecular consequence: missense variant.
Genome position (GRCh38, 1-based): chr14:24,148,690, G>A. VCF-style: chr14-24148690-G-A. GRCh37 (hg19) VCF-style: chr14-24617899-G-A.
Other names: c.91G>A, p.Val31Ile (NM_001310332.2); short protein forms V182I, V31I.
Identifiers: ClinVar variation 1471422 (VCV001471422.8), dbSNP rs2139076176, ClinGen allele CA389289504.
Genomic context (GRCh38, chr14:24,148,690, plus strand): 5'-GTATTATTGCAGAATACTCATCCAAGACAGCAGGCACTGGAGCAGCTGTTGGAAGACAAG[G>A]TTGAAGATGATGTAAGGAAGGCAGGAAAGGGGCTGGTGTACAAAGGAAACAGGAATTGTG-3'
Protein context (NP_060469.4, residues 172-192): QALEQLLEDK[Val182Ile]EDDMLQLSEF

ClinVar aggregate classification (germline): Uncertain significance (1 of 4 stars; one submission).

Submission:

Labcorp Genetics (formerly Invitae), Labcorp
Classification: Uncertain significance. Last evaluated: 2021-04-12. Review status: criteria provided, single submitter. Criteria: Invitae Variant Classification Sherloc (09022015). Collection method: clinical testing. Allele origin: germline.
Comment: This variant has not been reported in the literature in individuals with RNF31-related conditions. In summary, the available evidence is currently insufficient to determine the role of this variant in disease. Therefore, it has been classified as a Variant of Uncertain Significance. Algorithms developed to predict the effect of missense changes on protein structure and function (SIFT, PolyPhen-2, Align-GVGD) all suggest that this variant is likely to be tolerated, but these predictions have not been confirmed by published functional studies and their clinical significance is uncertain. This variant is not present in population databases (ExAC no frequency). This sequence change replaces valine with isoleucine at codon 182 of the RNF31 protein (p.Val182Ile). The valine residue is moderately conserved and there is a small physicochemical difference between valine and isoleucine.